The following is an entry in ClinVar:

NM_015512.5(DNAH1):c.7351C>T (p.Leu2451Phe)

Gene: DNAH1 (dynein axonemal heavy chain 1; plus strand). Cytogenetic location: 3p21.1.
Variant type: single nucleotide variant.
Coding change: c.7351C>T on transcript NM_015512.5 (MANE Select); coding-DNA position 7351, C replaced by T.
Protein change: p.Leu2451Phe; replaces leucine 2451 with phenylalanine.
Molecular consequence: missense variant.
Genome position (GRCh38, 1-based): chr3:52,378,754, C>T. VCF-style: chr3-52378754-C-T. GRCh37 (hg19) VCF-style: chr3-52412770-C-T.
Other names: short protein forms L2451F.
Identifiers: ClinVar variation 857955 (VCV000857955.8), dbSNP rs780039638, ClinGen allele CA2434854.

ClinVar aggregate classification (germline): Uncertain significance. Review status: criteria provided, multiple submitters, no conflicts (2 of 4 stars). 2 submissions from 2 submitters: Uncertain significance (2). Last evaluated 2022-08-15.

Conditions:
Ciliary dyskinesia, primary, 37 (CILD37). Also called: CILIARY DYSKINESIA, PRIMARY, 37, WITH OR WITHOUT SITUS INVERSUS. Identifiers: MedGen C4539798, MONDO:0033204, OMIM 617577.
Spermatogenic failure 18. Identifiers: MedGen C4539783, MONDO:0054615, OMIM 617576.

Allele frequency attached by ClinVar (database versions not stated): gnomAD exomes below 0.00001; ExAC 0.00001; gnomAD 0.00002 and 0.00003; TOPMed 0.00003.
gnomAD v4.1: 5 of 1,613,656 alleles (0.00031%); highest among the groups gnomAD compares: African/African-American, 0.004%; no homozygotes.

Submissions (2):

Labcorp Genetics (formerly Invitae), Labcorp
Classification: Uncertain significance for Ciliary dyskinesia, primary, 37; Spermatogenic failure 18. Last evaluated: 2022-08-15. Review status: criteria provided, single submitter. Criteria: Invitae Variant Classification Sherloc (09022015). Collection method: clinical testing. Allele origin: germline.
Comment: In summary, the available evidence is currently insufficient to determine the role of this variant in disease. Therefore, it has been classified as a Variant of Uncertain Significance. This sequence change replaces leucine, which is neutral and non-polar, with phenylalanine, which is neutral and non-polar, at codon 2451 of the DNAH1 protein (p.Leu2451Phe). This variant is present in population databases (rs780039638, gnomAD 0.008%). This variant has not been reported in the literature in individuals affected with DNAH1-related conditions. ClinVar contains an entry for this variant (Variation ID: 857955). Algorithms developed to predict the effect of missense changes on protein structure and function are either unavailable or do not agree on the potential impact of this missense change (SIFT: "Deleterious"; PolyPhen-2: "Possibly Damaging"; Align-GVGD: "Class C0").

Ambry Genetics
Classification: Uncertain significance. Last evaluated: 2021-12-07. Review status: criteria provided, single submitter. Criteria: Ambry Variant Classification Scheme 2023. Collection method: clinical testing. Allele origin: germline.